The following is an entry in ClinVar:

NM_001103.4(ACTN2):c.829C>G (p.Gln277Glu)

Gene: ACTN2 (actinin alpha 2; plus strand). Cytogenetic location: 1q43.
Variant type: single nucleotide variant.
Coding change: c.829C>G on transcript NM_001103.4 (MANE Select); coding-DNA position 829, C replaced by G.
Protein change: p.Gln277Glu; replaces glutamine 277 with glutamic acid.
Molecular consequence: missense variant.
Genome position (GRCh38, 1-based): chr1:236,737,167, C>G. VCF-style: chr1-236737167-C-G. GRCh37 (hg19) VCF-style: chr1-236900467-C-G.
Other names: c.829C>G, p.Gln277Glu (NM_001278343.2); c.205C>G, p.Gln69Glu (NM_001278344.2); short protein forms Q277E, Q69E.
Identifiers: ClinVar variation 504904 (VCV000504904.4), dbSNP rs1553302181, ClinGen allele CA345378913.

ClinVar aggregate classification (germline): Uncertain significance (1 of 4 stars; one submission).

gnomAD v4.1: 2 of 1,607,612 alleles (0.00012%); highest among the groups gnomAD compares: Middle Eastern, 0.017%; no homozygotes.

Submission:

Laboratory for Molecular Medicine, Mass General Brigham Personalized Medicine
Classification: Uncertain significance. Last evaluated: 2016-05-06. Review status: criteria provided, single submitter. Criteria: LMM Criteria. Collection method: clinical testing. Allele origin: germline. Observed: 1 variant allele.
Comment: The p.Gln277Glu variant in ACTN2 has not been previously reported in individuals with cardiomyopathy or in large population studies. Computational prediction to ols and conservation analysis suggest that the p.Gln277Glu variant may impact th e protein, though this information is not predictive enough to determine pathoge nicity. In summary, the clinical significance of the p.Gln277Glu variant is unce rtain.